The following is an entry in ClinVar:

NM_000070.3(CAPN3):c.133G>A (p.Ala45Thr)

Gene: CAPN3 (calpain 3; plus strand). Cytogenetic location: 15q15.1.
Variant type: single nucleotide variant.
Coding change: c.133G>A on transcript NM_000070.3 (MANE Select); coding-DNA position 133, G replaced by A.
Protein change: p.Ala45Thr; replaces alanine 45 with threonine.
Molecular consequence: missense variant.
Genome position (GRCh38, 1-based): chr15:42,359,938, G>A. VCF-style: chr15-42359938-G-A. GRCh37 (hg19) VCF-style: chr15-42652136-G-A.
Other names: c.133G>A, p.Ala45Thr (NM_024344.2, NM_173087.2); short protein forms A45T.
Identifiers: ClinVar variation 217148 (VCV000217148.20), dbSNP rs774048743, ClinGen allele CA347575.

ClinVar aggregate classification (germline): Pathogenic/Likely pathogenic. Review status: criteria provided, multiple submitters, no conflicts (2 of 4 stars). 9 submissions from 9 submitters: Pathogenic (6); Likely pathogenic (1). 2 of the submissions do not count toward it. Last evaluated 2025-10-11.

Conditions:
Muscular dystrophy, limb-girdle, autosomal dominant 4. Also called: Calpain-3-related limb-girdle muscular dystrophy D4; MUSCULAR DYSTROPHY, LIMB-GIRDLE, TYPE 1I. Identifiers: Orphanet 565909, MedGen C4748295, MONDO:0029133, OMIM 618129.
Autosomal recessive limb-girdle muscular dystrophy type 2A (LGMDR1). Also called: Limb-girdle muscular dystrophy, type 2A; Calpainopathy; LEYDEN-MOEBIUS MUSCULAR DYSTROPHY; MUSCULAR DYSTROPHY, PELVOFEMORAL; Muscular dystrophy, limb-girdle, type 2A, Amish. Identifiers: Orphanet 267, MedGen C1869123, MONDO:0009675, OMIM 253600. Disease mechanism: loss of function.
Autosomal recessive limb-girdle muscular dystrophy. Identifiers: Orphanet 102015, MedGen C2931907, MONDO:0015152.

Allele frequency attached by ClinVar (database versions not stated): gnomAD 0.00001; gnomAD exomes 0.00001 and 0.00006; ExAC 0.00002; TOPMed 0.00002.
gnomAD v4.1: 91 of 1,614,066 alleles (0.0056%); highest among the groups gnomAD compares: Non-Finnish European, 0.0075%; no homozygotes.

Submissions (9):

GeneDx
Classification: Likely pathogenic. Last evaluated: 2025-10-11. Review status: criteria provided, single submitter. Criteria: GeneDx Variant Classification Process June 2021. Collection method: clinical testing. Allele origin: germline. Affected: yes.
Comment: Published functional studies demonstrate no detectable protein in the muscle tissue of a patient homozygous for this variant (PMID: 15351423); Identified in patients with limb-girdle muscular dystrophy who also harbored a second variant in CAPN3, however, it is unknown if these variants were on the same (in cis) or opposite (in trans) CAPN3 allele (PMID: 16650086, 19556129); Not observed at significant frequency in large population cohorts (gnomAD); In silico analysis suggests that this missense variant does not alter protein structure/function; This variant is associated with the following publications: (PMID: 19556129, 16372320, 16650086, 17157502, 18055493, 37526466, 15351423)

Labcorp Genetics (formerly Invitae), Labcorp
Classification: Pathogenic for Autosomal recessive limb-girdle muscular dystrophy type 2A. Last evaluated: 2025-06-04. Review status: criteria provided, single submitter. Criteria: Invitae Variant Classification Sherloc (09022015). Collection method: clinical testing. Allele origin: germline.
Comment: This sequence change replaces alanine, which is neutral and non-polar, with threonine, which is neutral and polar, at codon 45 of the CAPN3 protein (p.Ala45Thr). This variant is present in population databases (rs774048743, gnomAD 0.003%). This missense change has been observed in individual(s) with autosomal recessive limb-girdle muscular dystrophy (PMID: 15351423, 16650086, 18055493, 19556129). ClinVar contains an entry for this variant (Variation ID: 217148). Invitae Evidence Modeling of protein sequence and biophysical properties (such as structural, functional, and spatial information, amino acid conservation, physicochemical variation, residue mobility, and thermodynamic stability) indicates that this missense variant is expected to disrupt CAPN3 protein function with a positive predictive value of 95%. For these reasons, this variant has been classified as Pathogenic.

Women's Health and Genetics/Laboratory Corporation of America, LabCorp
Classification: Pathogenic for Autosomal recessive limb-girdle muscular dystrophy. Last evaluated: 2023-05-08. Review status: criteria provided, single submitter. Criteria: LabCorp Variant Classification Summary - May 2015. Collection method: clinical testing. Allele origin: germline.
Comment: Variant summary: CAPN3 c.133G>A (p.Ala45Thr) results in a non-conservative amino acid change in the encoded protein sequence. Four of five in-silico tools predict a damaging effect of the variant on protein function. The variant allele was found at a frequency of 1.2e-05 in 251398 control chromosomes (gnomAD). c.133G>A has been reported in the literature as a biallelic genotype in multiple individuals affected with Limb-Girdle Muscular Dystrophy, Autosomal Recessive (e.g. Chrobakova_2004, Groen_2007). These data indicate that the variant is very likely to be associated with disease. To our knowledge, no experimental evidence demonstrating an impact on protein function has been reported. The following publications have been ascertained in the context of this evaluation (PMID: 15351423, 18055493). Four clinical diagnostic laboratories have submitted clinical-significance assessments for this variant to ClinVar after 2014 and all classified the variant as pathogenic (n=2)/likely pathogenic (n=2). Based on the evidence outlined above, the variant was classified as pathogenic.

Baylor Genetics
Classification: Pathogenic for Muscular dystrophy, limb-girdle, autosomal dominant 4. Last evaluated: 2023-05-03. Review status: criteria provided, single submitter. Criteria: ACMG Guidelines, 2015. Collection method: clinical testing. Allele origin: unknown.

Revvity Omics, Revvity
Classification: Pathogenic. Last evaluated: 2020-03-25. Review status: criteria provided, single submitter. Criteria: ACMG Guidelines, 2015. Collection method: clinical testing. Allele origin: germline.

Fulgent Genetics
Classification: Pathogenic for Autosomal recessive limb-girdle muscular dystrophy type 2A; Muscular dystrophy, limb-girdle, autosomal dominant 4. Last evaluated: 2018-10-31. Review status: criteria provided, single submitter. Criteria: ACMG Guidelines, 2015. Collection method: clinical testing. Allele origin: unknown.

Athena Diagnostics
Classification: Pathogenic for Limb-girdle muscular dystrophy, type 2A. Last evaluated: 2014-02-04. Review status: criteria provided, single submitter. Criteria: Athena Diagnostics Criteria. Collection method: clinical testing. Allele origin: germline. Inheritance: Autosomal recessive inheritance.

Counsyl
Classification: Likely pathogenic for Autosomal recessive limb-girdle muscular dystrophy type 2A. Last evaluated: 2017-08-04. Review status: no assertion criteria provided. Collection method: clinical testing. Allele origin: unknown. Not counted in ClinVar's aggregate classification.

GeneReviews
No classification provided. Condition: Autosomal recessive limb-girdle muscular dystrophy type 2A. Review status: no classification provided. Collection method: literature only. Allele origin: germline. Not counted in ClinVar's aggregate classification.

Literature cited by the submitters: PubMed 15351423 (cited by 3 submitters); PubMed 16650086 (cited by 3 submitters); PubMed 18055493 (cited by 4 submitters); PubMed 19556129 (cited by Labcorp Genetics (formerly Invitae), Labcorp); PubMed 17157502 (cited by Athena Diagnostics); PubMed 16372320 (cited by Counsyl); NCBI Bookshelf NBK1313 (cited by GeneReviews).